The following is an entry in ClinVar:

NM_007194.4(CHEK2):c.1245_1259+2del

Gene: CHEK2 (checkpoint kinase 2; minus strand). Cytogenetic location: 22q12.1.
Variant type: Deletion.
Coding change: c.1245_1259+2del on transcript NM_007194.4 (MANE Select); coding-DNA position 1245 through the canonical splice donor site of the intron after coding-DNA position 1259, 17 bases deleted (TATTCTTTTTATCTGGT).
Molecular consequence: splice donor variant.
Genome position (GRCh38, 1-based): chr22:28,695,708-28,695,724, ACCAGATAAAAAGAATA deleted on the plus strand (TATTCTTTTTATCTGGT on the coding strand, the reverse complement: CHEK2 is on the minus strand); deleting any 17 consecutive bases within chr22:28,695,708-28,695,726 gives the same sequence; the c. name uses the placement nearest the transcript's 3' end. VCF-style (leftmost placement, unchanged base first): chr22-28695707-TACCAGATAAAAAGAATA-T. GRCh37 (hg19) VCF-style: chr22-29091695-TACCAGATAAAAAGAATA-T.
Other names: c.582_596+2del (NM_001437942.1, NM_001257387.3); c.1044_1058+2del (NM_001349956.3); c.1158_1172+2del (NM_145862.3); c.1251_1265+2del (NM_001438295.1); c.1338_1352+2del (NM_001438293.1); c.1287_1301+2del (NM_001438294.1); c.1374_1388+2del (NM_001005735.3).
Identifiers: ClinVar variation 4228002 (VCV004228002.1).

ClinVar aggregate classification (germline): Likely pathogenic (1 of 4 stars; one submission).

Conditions:
Hereditary cancer-predisposing syndrome. Also called: Hereditary Cancer Syndrome; Hereditary neoplastic syndrome; Neoplastic Syndromes, Hereditary; Tumor predisposition. Identifiers: Orphanet 140162, MedGen C0027672, MeSH D009386, MONDO:0015356.

Submission:

Ambry Genetics
Classification: Likely pathogenic for Hereditary cancer-predisposing syndrome. Last evaluated: 2025-07-21. Review status: criteria provided, single submitter. Criteria: Ambry Variant Classification Scheme 2023. Collection method: clinical testing. Allele origin: germline.
Comment: The c.1245_1259+2del17 deletion results from the deletion of 17 nucleotides from c.1245 to c.1259+2 and involves the canonical splice donor site after coding exon 10 of the CHEK2 gene. This variant is considered to be rare based on population cohorts in the Genome Aggregation Database (gnomAD). The canonical splice donor site is highly conserved in available vertebrate species. In silico splice site analysis predicts that this alteration will weaken the native splice donor site and may result in the creation or strengthening of a novel splice donor site; however, direct evidence is insufficient at this time (Ambry internal data). Alterations that disrupt the canonical splice site are expected to cause aberrant splicing, resulting in an abnormal protein or a transcript that is subject to nonsense-mediated mRNA decay. As such, this alteration is classified as likely pathogenic.